The following is an entry in ClinVar:

NM_001851.6(COL9A1):c.2017G>A (p.Gly673Ser)

Gene: COL9A1 (collagen type IX alpha 1 chain; minus strand). Cytogenetic location: 6q13.
Variant type: single nucleotide variant.
Coding change: c.2017G>A on transcript NM_001851.6 (MANE Select); coding-DNA position 2017, G replaced by A.
Protein change: p.Gly673Ser; replaces glycine 673 with serine.
Molecular consequence: missense variant. On other transcripts: non-coding transcript variant (1).
Genome position (GRCh38, 1-based): chr6:70,241,436, C>T on the plus strand (G>A on the coding strand, the complement: COL9A1 is on the minus strand). VCF-style: chr6-70241436-C-T. GRCh37 (hg19) VCF-style: chr6-70951139-C-T.
Other names: c.2017G>A (NM_001851.4); c.1318G>A, p.Gly440Ser (NM_001377289.1); c.1288G>A, p.Gly430Ser (NM_001377290.1, NM_078485.4); short protein forms G673S, G440S, G430S.
Identifiers: ClinVar variation 2003958 (VCV002003958.5), dbSNP rs761948767, ClinGen allele CA3881914.

ClinVar aggregate classification (germline): Uncertain significance. Review status: criteria provided, multiple submitters, no conflicts (2 of 4 stars). 2 submissions from 2 submitters: Uncertain significance (2). Last evaluated 2024-05-25.

Allele frequency attached by ClinVar (database versions not stated): gnomAD exomes below 0.00001; ExAC 0.00001; gnomAD 0.00001; TOPMed 0.00002.
gnomAD v4.1: 4 of 1,610,934 alleles (0.00025%); highest among the groups gnomAD compares: African/African-American, 0.004%; no homozygotes.

Submissions (2):

GeneDx
Classification: Uncertain significance. Last evaluated: 2024-05-25. Review status: criteria provided, single submitter. Criteria: GeneDx Variant Classification Process June 2021. Collection method: clinical testing. Allele origin: germline. Affected: yes.
Comment: Not observed at significant frequency in large population cohorts (gnomAD); In silico analysis supports that this missense variant has a deleterious effect on protein structure/function; Has not been previously published as pathogenic or benign to our knowledge

Labcorp Genetics (formerly Invitae), Labcorp
Classification: Uncertain significance. Last evaluated: 2022-07-25. Review status: criteria provided, single submitter. Criteria: Invitae Variant Classification Sherloc (09022015). Collection method: clinical testing. Allele origin: germline.
Comment: In summary, the available evidence is currently insufficient to determine the role of this variant in disease. Therefore, it has been classified as a Variant of Uncertain Significance. Advanced modeling of protein sequence and biophysical properties (such as structural, functional, and spatial information, amino acid conservation, physicochemical variation, residue mobility, and thermodynamic stability) performed at Invitae indicates that this missense variant is expected to disrupt COL9A1 protein function. This variant has not been reported in the literature in individuals affected with COL9A1-related conditions. This variant is present in population databases (rs761948767, gnomAD 0.007%). This sequence change replaces glycine, which is neutral and non-polar, with serine, which is neutral and polar, at codon 673 of the COL9A1 protein (p.Gly673Ser).